The following is an entry in ClinVar:

ClinVar aggregate classification (germline): Uncertain significance. Review status: criteria provided, multiple submitters, no conflicts (2 of 4 stars). 2 submissions from 2 submitters: Uncertain significance (2). Last evaluated 2024-05-16.

Conditions:
Autosomal recessive multiple pterygium syndrome. Also called: MULTIPLE PTERYGIUM SYNDROME, ESCOBAR VARIANT; PTERYGIUM COLLI SYNDROME; PTERYGIUM SYNDROME; PTERYGIUM UNIVERSALE. Identifiers: Orphanet 2990, MedGen C0265261, MONDO:0009926, OMIM 265000.
Lethal multiple pterygium syndrome (LMPS). Identifiers: Orphanet 33108, MedGen C1854678, MONDO:0009668, OMIM 253290.
Inborn genetic diseases. Identifiers: MedGen C0950123, MeSH D030342.

Submissions (2):

Ambry Genetics
Classification: Uncertain significance for Inborn genetic diseases. Last evaluated: 2024-05-16. Review status: criteria provided, single submitter. Criteria: Ambry Variant Classification Scheme 2023. Collection method: clinical testing. Allele origin: germline.

Juno Genomics, Hangzhou Juno Genomics, Inc
Classification: Uncertain significance for Autosomal recessive multiple pterygium syndrome; Lethal multiple pterygium syndrome. Review status: criteria provided, single submitter. Criteria: ACMG Guidelines, 2015. Collection method: clinical testing. Allele origin: germline.
Comment: Absent from controls (or at extremely low frequency if recessive) in Genome Aggregation Database.

NM_005199.5(CHRNG):c.826G>A (p.Val276Ile)

Gene: CHRNG (cholinergic receptor nicotinic gamma subunit; plus strand). Cytogenetic location: 2q37.1.
Variant type: single nucleotide variant.
Coding change: c.826G>A on transcript NM_005199.5 (MANE Select); coding-DNA position 826, G replaced by A.
Protein change: p.Val276Ile; replaces valine 276 with isoleucine.
Molecular consequence: missense variant.
Genome position (GRCh38, 1-based): chr2:232,543,295, G>A. VCF-style: chr2-232543295-G-A. GRCh37 (hg19) VCF-style: chr2-233408005-G-A.
Other names: short protein forms V276I.
Identifiers: ClinVar variation 3267193 (VCV003267193.3).